The following is an entry in ClinVar:

ClinVar aggregate classification (germline): Uncertain significance (1 of 4 stars; one submission).

gnomAD v4.1: 6 of 1,613,940 alleles (0.00037%); highest among the groups gnomAD compares: Non-Finnish European, 0.00051%; no homozygotes.

Submission:

Labcorp Genetics (formerly Invitae), Labcorp
Classification: Uncertain significance. Last evaluated: 2024-08-11. Review status: criteria provided, single submitter. Criteria: Invitae Variant Classification Sherloc (09022015). Collection method: clinical testing. Allele origin: germline.
Comment: This sequence change replaces histidine, which is basic and polar, with arginine, which is basic and polar, at codon 583 of the EMC1 protein (p.His583Arg). This variant is present in population databases (rs748910199, gnomAD 0.002%). This variant has not been reported in the literature in individuals affected with EMC1-related conditions. Advanced modeling of protein sequence and biophysical properties (such as structural, functional, and spatial information, amino acid conservation, physicochemical variation, residue mobility, and thermodynamic stability) has been performed at Invitae for this missense variant, however the output from this modeling did not meet the statistical confidence thresholds required to predict the impact of this variant on EMC1 protein function. In summary, the available evidence is currently insufficient to determine the role of this variant in disease. Therefore, it has been classified as a Variant of Uncertain Significance.

NM_015047.3(EMC1):c.1748A>G (p.His583Arg)

Genes: EMC1 (ER membrane protein complex subunit 1; minus strand), EMC1-AS1 (EMC1 antisense RNA 1; plus strand). Cytogenetic location: 1p36.13.
Variant type: single nucleotide variant.
Coding change: c.1748A>G on transcript NM_015047.3 (MANE Select); coding-DNA position 1748, A replaced by G.
Protein change: p.His583Arg; replaces histidine 583 with arginine.
Molecular consequence: missense variant.
Genome position (GRCh38, 1-based): chr1:19,232,658, T>C on the plus strand (A>G on the coding strand, the complement: EMC1 is on the minus strand). VCF-style: chr1-19232658-T-C. GRCh37 (hg19) VCF-style: chr1-19559152-T-C.
Other names: c.1745A>G, p.His582Arg (NM_001271427.2, NM_001271428.2); c.1682A>G, p.His561Arg (NM_001271429.2); c.1757A>G, p.His586Arg (NM_001375820.1); c.1754A>G, p.His585Arg (NM_001375821.1); short protein forms H583R, H582R, H561R, H585R, H586R.
Identifiers: ClinVar variation 3697108 (VCV003697108.2).
Genomic context (GRCh38, chr1:19,232,658, plus strand): 5'-GCTCAAGTCAGAGCTGGATGCCTCACCTTGTCCTTCACCAGCAGGGTGCACTGTGGGGGA[T>C]GGGGGAAATGAGCAGTAGTTCTCTGGACCATCAGTTTAAAGGAGGAGTCTGGCTTGACAT-3'
Protein context (NP_055862.1, residues 573-593): MVQRTTAHFP[His583Arg]PPQCTLLVKD